The following is an entry in ClinVar:

ClinVar aggregate classification (germline): Uncertain significance (1 of 4 stars; one submission).

Conditions:
Mitochondrial complex II deficiency, nuclear type 1. Also called: SUCCINATE CoQ REDUCTASE DEFICIENCY. Identifiers: Orphanet 3208, MedGen C5700310, MONDO:0100294, OMIM 252011.
Pheochromocytoma/paraganglioma syndrome 5. Also called: Paragangliomas 5; SDHA-Related Hereditary Paraganglioma-Pheochromocytoma Syndrome. Identifiers: Orphanet 29072, MedGen C3279992, MONDO:0013602, OMIM 614165.

Submission:

Labcorp Genetics (formerly Invitae), Labcorp
Classification: Uncertain significance for Pheochromocytoma/paraganglioma syndrome 5; Mitochondrial complex II deficiency, nuclear type 1. Last evaluated: 2025-02-26. Review status: criteria provided, single submitter. Criteria: Invitae Variant Classification Sherloc (09022015). Collection method: clinical testing. Allele origin: germline.
Comment: This sequence change replaces arginine, which is basic and polar, with glycine, which is neutral and non-polar, at codon 162 of the SDHA protein (p.Arg162Gly). This variant is not present in population databases (gnomAD no frequency). This variant has not been reported in the literature in individuals affected with SDHA-related conditions. ClinVar contains an entry for this variant (Variation ID: 1491297). Invitae Evidence Modeling of protein sequence and biophysical properties (such as structural, functional, and spatial information, amino acid conservation, physicochemical variation, residue mobility, and thermodynamic stability) has been performed for this missense variant. However, the output from this modeling did not meet the statistical confidence thresholds required to predict the impact of this variant on SDHA protein function. In summary, the available evidence is currently insufficient to determine the role of this variant in disease. Therefore, it has been classified as a Variant of Uncertain Significance.

NM_004168.4(SDHA):c.484A>G (p.Arg162Gly)

Gene: SDHA (succinate dehydrogenase complex flavoprotein subunit A; plus strand). Cytogenetic location: 5p15.33.
Variant type: single nucleotide variant.
Coding change: c.484A>G on transcript NM_004168.4 (MANE Select); coding-DNA position 484, A replaced by G.
Protein change: p.Arg162Gly; replaces arginine 162 with glycine.
Molecular consequence: missense variant.
Genome position (GRCh38, 1-based): chr5:225,910, A>G. VCF-style: chr5-225910-A-G. GRCh37 (hg19) VCF-style: chr5-226025-A-G.
Other names: c.340A>G, p.Arg114Gly (NM_001294332.2); c.484A>G, p.Arg162Gly (NM_001330758.2); short protein forms R162G, R114G.
Identifiers: ClinVar variation 1491297 (VCV001491297.8), dbSNP rs1579385526, ClinGen allele CA359009945.